The following is an entry in ClinVar:

NM_017654.4(SAMD9):c.1283T>C (p.Leu428Ser)

Gene: SAMD9 (sterile alpha motif domain containing 9; minus strand). Cytogenetic location: 7q21.2.
Variant type: single nucleotide variant.
Coding change: c.1283T>C on transcript NM_017654.4 (MANE Select); coding-DNA position 1283, T replaced by C.
Protein change: p.Leu428Ser; replaces leucine 428 with serine.
Molecular consequence: missense variant.
Genome position (GRCh38, 1-based): chr7:93,104,815, A>G on the plus strand (T>C on the coding strand, the complement: SAMD9 is on the minus strand). VCF-style: chr7-93104815-A-G. GRCh37 (hg19) VCF-style: chr7-92734128-A-G.
Other names: c.1283T>C, p.Leu428Ser (NM_001193307.2); short protein forms L428S.
Identifiers: ClinVar variation 3361705 (VCV003361705.2).

ClinVar aggregate classification (germline): Uncertain significance (1 of 4 stars; one submission).

Submission:

GeneDx
Classification: Uncertain significance. Last evaluated: 2025-09-10. Review status: criteria provided, single submitter. Criteria: GeneDx Variant Classification Process June 2021. Collection method: clinical testing. Allele origin: germline.
Comment: Not observed at significant frequency in large population cohorts (gnomAD); In silico analysis supports that this missense variant has a deleterious effect on protein structure/function; Has not been previously published as pathogenic or benign to our knowledge